The following is an entry in ClinVar:

NM_021930.6(RINT1):c.1740G>T (p.Gln580His)

Gene: RINT1 (RAD50 interactor 1; plus strand). Cytogenetic location: 7q22.3.
Variant type: single nucleotide variant.
Coding change: c.1740G>T on transcript NM_021930.6 (MANE Select); coding-DNA position 1740, G replaced by T.
Protein change: p.Gln580His; replaces glutamine 580 with histidine.
Molecular consequence: missense variant. On other transcripts: non-coding transcript variant (1).
Genome position (GRCh38, 1-based): chr7:105,563,801, G>T. VCF-style: chr7-105563801-G-T. GRCh37 (hg19) VCF-style: chr7-105204248-G-T.
Other names: c.1506G>T, p.Gln502His (NM_001346599.2); c.717G>T, p.Gln239His (NM_001346600.2, NM_001346603.2); c.816G>T, p.Gln272His (NM_001346601.2); short protein forms Q239H, Q272H, Q502H, Q580H.
Identifiers: ClinVar variation 3433640 (VCV003433640.1).

ClinVar aggregate classification (germline): Uncertain significance (1 of 4 stars; one submission).

gnomAD v4.1: 2 of 1,614,028 alleles (0.00012%); highest among the groups gnomAD compares: East Asian, 0.0045%; no homozygotes.

Submission:

Ambry Genetics
Classification: Uncertain significance. Last evaluated: 2024-10-20. Review status: criteria provided, single submitter. Criteria: Ambry Variant Classification Scheme 2023. Collection method: clinical testing. Allele origin: germline.
Comment: The p.Q580H variant (also known as c.1740G>T), located in coding exon 12 of the RINT1 gene, results from a G to T substitution at nucleotide position 1740. The glutamine at codon 580 is replaced by histidine, an amino acid with highly similar properties. This amino acid position is conserved. In addition, this alteration is predicted to be tolerated by in silico analysis. Based on the available evidence, the clinical significance of this variant remains unclear.